The following is an entry in ClinVar:

ClinVar aggregate classification (germline): Uncertain significance (1 of 4 stars; one submission).

gnomAD v4.1: 2 of 1,547,612 alleles (0.00013%); highest among the groups gnomAD compares: African/African-American, 0.0014%; no homozygotes.

Submission:

Women's Health and Genetics/Laboratory Corporation of America, LabCorp
Classification: Uncertain significance. Last evaluated: 2025-10-10. Review status: criteria provided, single submitter. Criteria: LabCorp Variant Classification Summary - May 2015. Collection method: clinical testing. Allele origin: germline.
Comment: Variant summary: TTN c.32594-494C>T is located at a position not widely known to affect splicing. This variant corresponds to c.40258C>T (p.Pro13420Ser) in NM_001267550. The variant was absent in 148200 control chromosomes. The available data on variant occurrences in the general population are insufficient to allow any conclusion about variant significance. To our knowledge, no occurrence of this variant in individuals affected with TTN-related conditions and no experimental evidence demonstrating its impact on protein function have been reported. No submitters have cited clinical-significance assessments for this variant to ClinVar. Based on the evidence outlined above, the variant was classified as uncertain significance.

NM_001267550.2(TTN):c.40258C>T (p.Pro13420Ser)

Gene: TTN (titin; minus strand). Cytogenetic location: 2q31.2.
Variant type: single nucleotide variant.
Coding change: c.40258C>T on transcript NM_001267550.2 (MANE Select); coding-DNA position 40258, C replaced by T.
Protein change: p.Pro13420Ser; replaces proline 13420 with serine.
Molecular consequence: missense variant. On other transcripts: intron variant (5).
Genome position (GRCh38, 1-based): chr2:178,646,524, G>A on the plus strand (C>T on the coding strand, the complement: TTN is on the minus strand). VCF-style: chr2-178646524-G-A. GRCh37 (hg19) VCF-style: chr2-179511251-G-A.
Other names: c.13283-4207C>T (NM_003319.4); c.13859-4207C>T (NM_133437.4); c.13658-4207C>T (NM_133432.3); c.32594-494C>T (NM_133378.4); c.35375-494C>T (NM_001256850.1); short protein forms P13420S.
Identifiers: ClinVar variation 4687381 (VCV004687381.1).